The following is an entry in ClinVar:

ClinVar aggregate classification (germline): Likely benign. Review status: criteria provided, multiple submitters, no conflicts (2 of 4 stars). 4 submissions from 4 submitters: Likely benign (3). 1 of the submissions does not count toward it. Last evaluated 2026-06-01.

Conditions:
WDR11-related disorder. Also called: WDR11-related condition.

Allele frequency attached by ClinVar (database versions not stated): 1000 Genomes Project 0.00060; 1000 Genomes Project 30x 0.00078; gnomAD 0.00142 and 0.00152; gnomAD exomes 0.00180 and 0.00277; TOPMed 0.00189; ExAC 0.00203; ESP Exome Variant Server 0.00300.
gnomAD v4.1: 4,250 of 1,613,316 alleles (0.26%); highest among the groups gnomAD compares: Non-Finnish European, 0.33%; 11 homozygotes.

Submissions (4):

CeGaT Center for Human Genetics Tuebingen
Classification: Likely benign. Last evaluated: 2026-06-01. Review status: criteria provided, single submitter. Criteria: CeGaT Center For Human Genetics Tuebingen Variant Classification Criteria Version 2. Collection method: clinical testing. Allele origin: germline. Affected: yes. Observed: 14 variant alleles.
Comment: WDR11: PP3, BS2

Labcorp Genetics (formerly Invitae), Labcorp
Classification: Likely benign. Last evaluated: 2025-09-15. Review status: criteria provided, single submitter. Criteria: Invitae Variant Classification Sherloc (09022015). Collection method: clinical testing. Allele origin: germline.

GeneDx
Classification: Likely benign. Last evaluated: 2020-12-07. Review status: criteria provided, single submitter. Criteria: GeneDx Variant Classification Process June 2021. Collection method: clinical testing. Allele origin: germline. Affected: yes.
Comment: In silico analysis supports that this missense variant does not alter protein structure/function; This variant is associated with the following publications: (PMID: 31726455)

PreventionGenetics, part of Exact Sciences
Classification: Likely benign for WDR11-related condition. Last evaluated: 2019-05-31. Review status: no assertion criteria provided. Collection method: clinical testing. Allele origin: germline. Not counted in ClinVar's aggregate classification.
Comment: This variant is classified as likely benign based on ACMG/AMP sequence variant interpretation guidelines (Richards et al. 2015 PMID: 25741868, with internal and published modifications).

NM_018117.12(WDR11):c.2962G>A (p.Glu988Lys)

Gene: WDR11 (WD repeat domain 11; plus strand). Cytogenetic location: 10q26.12.
Variant type: single nucleotide variant.
Coding change: c.2962G>A on transcript NM_018117.12 (MANE Select); coding-DNA position 2962, G replaced by A.
Protein change: p.Glu988Lys; replaces glutamic acid 988 with lysine.
Molecular consequence: missense variant.
Genome position (GRCh38, 1-based): chr10:120,904,077, G>A. VCF-style: chr10-120904077-G-A. GRCh37 (hg19) VCF-style: chr10-122663589-G-A.
Other names: short protein forms E988K.
Identifiers: ClinVar variation 695194 (VCV000695194.36), dbSNP rs74870997, ClinGen allele CA5720170.